The following is an entry in ClinVar:

ClinVar aggregate classification (germline): Uncertain significance (1 of 4 stars; one submission).

gnomAD v4.1: 9 of 1,613,922 alleles (0.00056%); highest among the groups gnomAD compares: African/African-American, 0.0013%; no homozygotes.

Submission:

Labcorp Genetics (formerly Invitae), Labcorp
Classification: Uncertain significance. Last evaluated: 2023-03-17. Review status: criteria provided, single submitter. Criteria: Invitae Variant Classification Sherloc (09022015). Collection method: clinical testing. Allele origin: germline.
Comment: In summary, the available evidence is currently insufficient to determine the role of this variant in disease. Therefore, it has been classified as a Variant of Uncertain Significance. An algorithm developed to predict the effect of missense changes on protein structure and function (PolyPhen-2) suggests that this variant is likely to be disruptive. This variant has not been reported in the literature in individuals affected with CLCN6-related conditions. This variant is present in population databases (rs556741884, gnomAD 0.004%). This sequence change replaces arginine, which is basic and polar, with leucine, which is neutral and non-polar, at codon 535 of the CLCN6 protein (p.Arg535Leu).

NM_001286.5(CLCN6):c.1604G>T (p.Arg535Leu)

Gene: CLCN6 (chloride voltage-gated channel 6; plus strand). Cytogenetic location: 1p36.22.
Variant type: single nucleotide variant.
Coding change: c.1604G>T on transcript NM_001286.5 (MANE Select); coding-DNA position 1604, G replaced by T.
Protein change: p.Arg535Leu; replaces arginine 535 with leucine.
Molecular consequence: missense variant. On other transcripts: non-coding transcript variant (1).
Genome position (GRCh38, 1-based): chr1:11,834,313, G>T. VCF-style: chr1-11834313-G-T. GRCh37 (hg19) VCF-style: chr1-11894370-G-T.
Other names: c.1538G>T, p.Arg513Leu (NM_001256959.2); short protein forms R513L, R535L.
Identifiers: ClinVar variation 2810932 (VCV002810932.3), dbSNP rs556741884, ClinGen allele CA596553.